The following is an entry in ClinVar:

NM_001009944.3(PKD1):c.12666G>A (p.Leu4222=)

Gene: PKD1 (polycystin 1, transient receptor potential channel interacting; minus strand). Cytogenetic location: 16p13.3.
Variant type: single nucleotide variant.
Coding change: c.12666G>A on transcript NM_001009944.3 (MANE Select); coding-DNA position 12666, G replaced by A.
Protein change: p.Leu4222=; no amino-acid change (leucine 4222 retained).
Molecular consequence: synonymous variant.
Genome position (GRCh38, 1-based): chr16:2,089,973, C>T on the plus strand (G>A on the coding strand, the complement: PKD1 is on the minus strand). VCF-style: chr16-2089973-C-T. GRCh37 (hg19) VCF-style: chr16-2139974-C-T.
Other names: c.12663G>A, p.Leu4221= (NM_000296.4).
Identifiers: ClinVar variation 4984405 (VCV004984405.1).

ClinVar aggregate classification (germline): Likely benign (1 of 4 stars; one submission).

Conditions:
PKD1-related disorder. Also called: PKD1-related condition.

Submission:

PreventionGenetics, part of Exact Sciences
Classification: Likely benign for PKD1-related condition. Last evaluated: 2026-05-11. Review status: criteria provided, single submitter. Criteria: ACMG Guidelines, 2015. Collection method: clinical testing. Allele origin: germline.
Comment: This variant is classified as likely benign based on ACMG/AMP sequence variant interpretation guidelines (Richards et al. 2015 PMID: 25741868, with internal and published modifications).